The following is an entry in ClinVar:

ClinVar aggregate classification (germline): Pathogenic (1 of 4 stars; one submission).

Conditions:
Autosomal dominant hypocalcemia 1 (HYPOC1). Also called: HYPOCALCEMIA, FAMILIAL. Identifiers: MedGen C3715128, MONDO:0011013, OMIM 601198.
Familial hypocalciuric hypercalcemia (FHH). Also called: Familial benign hypercalcemia. Identifiers: Orphanet 405, MedGen C1809471, MONDO:0018458.

Submission:

Labcorp Genetics (formerly Invitae), Labcorp
Classification: Pathogenic for Familial hypocalciuric hypercalcemia; Autosomal dominant hypocalcemia 1. Last evaluated: 2025-05-04. Review status: criteria provided, single submitter. Criteria: Invitae Variant Classification Sherloc (09022015). Collection method: clinical testing. Allele origin: germline.
Comment: This sequence change creates a premature translational stop signal (p.Glu475Serfs*3) in the CASR gene. It is expected to result in an absent or disrupted protein product. Loss-of-function variants in CASR are known to be pathogenic (PMID: 11807402, 14985373, 22422767). This variant is not present in population databases (gnomAD no frequency). This variant has not been reported in the literature in individuals affected with CASR-related conditions. For these reasons, this variant has been classified as Pathogenic.

Literature cited by the submitters: PubMed 11807402; PubMed 14985373; PubMed 22422767.

NM_000388.4(CASR):c.1423del (p.Glu475fs)

Gene: CASR (calcium sensing receptor; plus strand). Cytogenetic location: 3q21.1.
Variant type: Deletion.
Coding change: c.1423del on transcript NM_000388.4 (MANE Select); coding-DNA position 1423, one base deleted (G; older notation c.1423delG).
Protein change: p.Glu475fs; shifts the reading frame from glutamic acid 475.
Molecular consequence: frameshift variant.
Genome position (GRCh38, 1-based): chr3:122,275,857, G deleted; the last of 5 consecutive G bases (chr3:122,275,853-122,275,857); deleting any one gives the same sequence. VCF-style (leftmost placement, unchanged base first): chr3-122275852-TG-T. GRCh37 (hg19) VCF-style: chr3-121994699-TG-T.
Other names: c.1423del, p.Glu475fs (NM_001178065.2); short protein forms E475fs.
Identifiers: ClinVar variation 4784616 (VCV004784616.1).
Genomic context (GRCh38, chr3:122,275,852, plus strand): 5'-CATTCTTTGCTCCTCTTTAGGTCCTGAAGCACCTACGGCATCTAAACTTTACAAACAATA[TG>T]GGGGAGCAGGTGACCTTTGATGAGTGTGGTGACCTGGTGGGGAACTATTCCATCATCAAC-3'